The following is an entry in ClinVar:

ClinVar aggregate classification (germline): Conflicting classifications of pathogenicity. Review status: criteria provided, conflicting classifications (1 of 4 stars). 4 submissions from 4 submitters: Uncertain significance (1); Likely benign (3). Last evaluated 2025-07-30.

Conditions:
Hereditary cancer-predisposing syndrome. Also called: Hereditary Cancer Syndrome; Neoplastic Syndromes, Hereditary; Tumor predisposition; Hereditary neoplastic syndrome. Identifiers: Orphanet 140162, MedGen C0027672, MeSH D009386, MONDO:0015356.

Submissions (4):

Labcorp Genetics (formerly Invitae), Labcorp
Classification: Likely benign for Hereditary cancer-predisposing syndrome. Last evaluated: 2025-07-30. Review status: criteria provided, single submitter. Criteria: Invitae Variant Classification Sherloc (09022015). Collection method: clinical testing. Allele origin: germline.

Ambry Genetics
Classification: Likely benign for Hereditary cancer-predisposing syndrome. Last evaluated: 2022-04-11. Review status: criteria provided, single submitter. Criteria: Ambry Variant Classification Scheme 2023. Collection method: clinical testing. Allele origin: germline.

Women's Health and Genetics/Laboratory Corporation of America, LabCorp
Classification: Likely benign. Last evaluated: 2022-03-24. Review status: criteria provided, single submitter. Criteria: LabCorp Variant Classification Summary - May 2015. Collection method: clinical testing. Allele origin: germline.
Comment: Variant summary: RAD50 c.3877_3879dupATC (p.Ile1293dup) results in an in-frame duplication that is predicted to duplicate one amino acid into the encoded protein. The variant allele was found at a frequency of 0.00021 in 251276 control chromosomes, predominantly at a frequency of 0.00095 within the South Asian subpopulation in the gnomAD database, including 2 homozygotes. The observed variant frequency within South Asian control individuals in the gnomAD database is approximately 15 fold of the estimated maximal expected allele frequency for a pathogenic variant in RAD50 causing Hereditary Breast And Ovarian Cancer Syndrome phenotype (6.3e-05), strongly suggesting that the variant is a benign polymorphism found primarily in populations of South Asian origin. c.3877_3879dupATC has been reported in the literature as a VUS in settings of multigene panel testing in at-least one individual reportedly affected with Breast Cancer (example, Akcay_2020). These report(s) do not provide unequivocal conclusions about association of the variant with Hereditary Breast And Ovarian Cancer Syndrome. To our knowledge, no experimental evidence demonstrating an impact on protein function has been reported. Three clinical diagnostic laboratories have submitted clinical-significance assessments for this variant to ClinVar after 2014 without evidence for independent evaluation (likely benign, n=1; VUS, n=2). Based on the evidence outlined above, the variant was classified as likely benign.

Institute for Clinical Genetics, University Hospital TU Dresden, University Hospital TU Dresden
Classification: Uncertain significance. Last evaluated: 2021-11-03. Review status: criteria provided, single submitter. Criteria: ACMG Guidelines, 2015. Collection method: clinical testing. Allele origin: germline.

Literature cited by the submitters: PubMed 32658311 (cited by Ambry Genetics and Women's Health and Genetics/Laboratory Corporation of America, LabCorp).

NM_005732.4(RAD50):c.3877_3879dup (p.Ile1293dup)

Genes: TH2LCRR (T helper type 2 locus control region associated RNA; minus strand), RAD50 (RAD50 double strand break repair protein; plus strand). Cytogenetic location: 5q31.1.
Variant type: Duplication.
Coding change: c.3877_3879dup on transcript NM_005732.4 (MANE Select); coding-DNA positions 3877 to 3879, 3 bases duplicated (ATC; older notation c.3877_3879dupATC).
Protein change: p.Ile1293dup; duplicates isoleucine 1293.
Molecular consequence: inframe insertion.
Genome position (GRCh38, 1-based): chr5:132,642,302-132,642,304, ATC duplicated; duplicating any 3 consecutive bases within chr5:132,642,301-132,642,304 gives the same sequence; the c. name uses the placement nearest the transcript's 3' end. VCF-style (leftmost placement, unchanged base first): chr5-132642300-A-ACAT. GRCh37 (hg19) VCF-style: chr5-131977992-A-ACAT.
Other names: c.3877_3879dupATC (NM_005732.3).
Identifiers: ClinVar variation 480387 (VCV000480387.20), dbSNP rs765370709, ClinGen allele CA3405689.